The following is an entry in ClinVar:

NM_001009944.3(PKD1):c.11712+2T>C

Gene: PKD1 (polycystin 1, transient receptor potential channel interacting; minus strand). Cytogenetic location: 16p13.3.
Variant type: single nucleotide variant.
Coding change: c.11712+2T>C on transcript NM_001009944.3 (MANE Select); the canonical splice donor site of the intron after coding-DNA position 11712, T replaced by C.
Molecular consequence: splice donor variant.
Genome position (GRCh38, 1-based): chr16:2,091,421, A>G on the plus strand (T>C on the coding strand, the complement: PKD1 is on the minus strand). VCF-style: chr16-2091421-A-G. GRCh37 (hg19) VCF-style: chr16-2141422-A-G.
Other names: c.11709+2T>C (NM_000296.4).
Identifiers: ClinVar variation 997241 (VCV000997241.1), dbSNP rs2091571271, ClinGen allele CA394331625.

ClinVar aggregate classification (germline): Pathogenic (0 of 4 stars; one submission).

Conditions:
Polycystic kidney disease. Also called: Polycystic kidney dysplasia; Kidney, Polycystic. Identifiers: MedGen C0022680, MeSH D007690, MONDO:0020642, HP:0000113.

Submission:

Department of Pathology and Laboratory Medicine, Sinai Health System
Classification: Pathogenic for Polycystic Kidney disease. Review status: no assertion criteria provided. Collection method: clinical testing. Allele origin: unknown. Affected: yes. Observed: 1 variant allele. Study: The Canadian Open Genetics Repository (COGR).
Comment: The PKD1 c.11712+2T>C variant was not identified in the literature nor was it identified in the dbSNP, ClinVar, COGR, LOVD 3.0, ADPKD Mutation Database, or PKD1-LOVD databases. The variant was not identified in the following control databases: the 1000 Genomes Project, the NHLBI GO Exome Sequencing Project, the Exome Aggregation Consortium (August 8th 2016), or the Genome Aggregation Database (Feb 27, 2017). The c.11712+2T>C variant is predicted to cause abnormal splicing because the nucleotide substitution occurs in the invariant region of the splice consensus sequence. In addition, 4 of 4 in silico or computational prediction software programs (SpliceSiteFinder, MaxEntScan, NNSPLICE, GeneSplicer) predict a greater than 10% difference in splicing. In summary, based on the above information this variant meets our laboratoryâ€šÃ„Ã´s criteria to be classified as pathogenic.